The following is an entry in ClinVar:

ClinVar aggregate classification (germline): Uncertain significance (1 of 4 stars; one submission).

Conditions:
Hereditary cancer-predisposing syndrome. Also called: Neoplastic Syndromes, Hereditary; Tumor predisposition; Hereditary neoplastic syndrome; Hereditary Cancer Syndrome. Identifiers: Orphanet 140162, MedGen C0027672, MeSH D009386, MONDO:0015356.

Submission:

Ambry Genetics
Classification: Uncertain significance for Hereditary cancer-predisposing syndrome. Last evaluated: 2026-08-31. Review status: criteria provided, single submitter. Criteria: Ambry Variant Classification Scheme 2023. Collection method: clinical testing. Allele origin: germline.
Comment: The p.G70D variant (also known as c.209G>A), located in coding exon 2 of the NTHL1 gene, results from a G to A substitution at nucleotide position 209. The glycine at codon 70 is replaced by aspartic acid, an amino acid with similar properties. This amino acid position is conserved. In addition, this alteration is predicted to be tolerated by in silico analysis. Based on the available evidence, the clinical significance of this variant remains unclear.

NM_002528.7(NTHL1):c.185G>A (p.Gly62Asp)

Gene: NTHL1 (nth like DNA glycosylase 1; minus strand). Cytogenetic location: 16p13.3.
Variant type: single nucleotide variant.
Coding change: c.185G>A on transcript NM_002528.7 (MANE Select); coding-DNA position 185, G replaced by A.
Protein change: p.Gly62Asp; replaces glycine 62 with aspartic acid.
Molecular consequence: missense variant.
Genome position (GRCh38, 1-based): chr16:2,046,297, C>T on the plus strand (G>A on the coding strand, the complement: NTHL1 is on the minus strand). VCF-style: chr16-2046297-C-T. GRCh37 (hg19) VCF-style: chr16-2096298-C-T.
Other names: c.185G>A, p.Gly62Asp (NM_001318193.2); c.7G>A, p.Ala3Thr (NM_001318194.2); short protein forms G62D, A3T.
Identifiers: ClinVar variation 5025921 (VCV005025921.1).